The following is an entry in ClinVar:

ClinVar aggregate classification (germline): Uncertain significance (1 of 4 stars; one submission).

Conditions:
Andersen Tawil syndrome (LQT7). Also called: Potassium-sensitive periodic paralysis, ventricular ectopy, and dysmorphic features; Andersen Syndrome; PERIODIC PARALYSIS, POTASSIUM-SENSITIVE CARDIODYSRHYTHMIC TYPE; LONG QT SYNDROME 7; ANDERSEN CARDIODYSRHYTHMIC PERIODIC PARALYSIS. Identifiers: Orphanet 37553, MedGen C1563715, MONDO:0008222, OMIM 170390.
Short QT syndrome type 3. Identifiers: Orphanet 51083, MedGen C1865018, MONDO:0012314, OMIM 609622.

Submission:

Labcorp Genetics (formerly Invitae), Labcorp
Classification: Uncertain significance for Short QT syndrome type 3; Andersen Tawil syndrome. Last evaluated: 2018-10-26. Review status: criteria provided, single submitter. Criteria: Invitae Variant Classification Sherloc (09022015). Collection method: clinical testing. Allele origin: germline.
Comment: In summary, the available evidence is currently insufficient to determine the role of this variant in disease. Therefore, it has been classified as a Variant of Uncertain Significance. This variant disrupts the p.Asp78 amino acid residue in KCNJ2. Other variant(s) that disrupt this residue have been observed in affected individuals (PMID: 17568571, 16419128, 16217063), suggesting that it is a clinically significant residue. As a result, variants that disrupt this residue are likely to be causative of disease. Algorithms developed to predict the effect of missense changes on protein structure and function are either unavailable or do not agree on the potential impact of this missense change (SIFT: "Deleterious"; PolyPhen-2: "Probably Damaging"; Align-GVGD: "Class C0"). This variant has not been reported in the literature in individuals with KCNJ2-related disease. This variant is not present in population databases (ExAC no frequency). This sequence change replaces aspartic acid with histidine at codon 78 of the KCNJ2 protein (p.Asp78His). The aspartic acid residue is highly conserved and there is a moderate physicochemical difference between aspartic acid and histidine.

Literature cited by the submitters: PubMed 17568571; PubMed 16419128; PubMed 16217063.

NM_000891.3(KCNJ2):c.232G>C (p.Asp78His)

Gene: KCNJ2 (potassium inwardly rectifying channel subfamily J member 2; plus strand). Cytogenetic location: 17q24.3.
Variant type: single nucleotide variant.
Coding change: c.232G>C on transcript NM_000891.3 (MANE Select); coding-DNA position 232, G replaced by C.
Protein change: p.Asp78His; replaces aspartic acid 78 with histidine.
Molecular consequence: missense variant.
Genome position (GRCh38, 1-based): chr17:70,175,271, G>C. VCF-style: chr17-70175271-G-C. GRCh37 (hg19) VCF-style: chr17-68171412-G-C.
Other names: short protein forms D78H.
Identifiers: ClinVar variation 649015 (VCV000649015.8), dbSNP rs199473372, ClinGen allele CA400860153.